The following is an entry in ClinVar:

ClinVar aggregate classification (germline): Uncertain significance (1 of 4 stars; one submission).

Conditions:
RASopathy. Also called: rasopathies; Noonan spectrum disorder. Identifiers: Orphanet 536391, MedGen C5555857, MONDO:0021060.

Submission:

Labcorp Genetics (formerly Invitae), Labcorp
Classification: Uncertain significance for RASopathy. Last evaluated: 2022-07-28. Review status: criteria provided, single submitter. Criteria: Invitae Variant Classification Sherloc (09022015). Collection method: clinical testing. Allele origin: germline.
Comment: This variant results in a copy number gain of the genomic region encompassing exon(s) 1-10 of the RAF1 gene. This region includes the initiator codon of the gene. This copy number gain extends beyond the assayed region for this gene and therefore may encompass additional genes. As the precise location of this event is unknown, it may be in tandem or it may be located elsewhere in the genome. A similar copy number variant has been observed in individual(s) with clinical features of Noonan syndrome (Invitae). In summary, the available evidence is currently insufficient to determine the role of this variant in disease. Therefore, it has been classified as a Variant of Uncertain Significance.

NC_000003.11:g.(?_12641190)_(12791339_?)dup

Genes: RAF1 (Raf-1 proto-oncogene, serine/threonine kinase; minus strand), TMEM40 (transmembrane protein 40; minus strand). Cytogenetic location: 3p25.2.
Variant type: Duplication.
Identifiers: ClinVar variation 1439808 (VCV001439808.7).